The following is an entry in ClinVar:

ClinVar aggregate classification (germline): Uncertain significance (1 of 4 stars; one submission).

Submission:

Labcorp Genetics (formerly Invitae), Labcorp
Classification: Uncertain significance. Last evaluated: 2021-06-01. Review status: criteria provided, single submitter. Criteria: Invitae Variant Classification Sherloc (09022015). Collection method: clinical testing. Allele origin: germline.
Comment: This variant has not been reported in the literature in individuals with PDE3A-related conditions. This sequence change creates a premature translational stop signal (p.Trp47*) in the PDE3A gene. It is expected to result in an absent or disrupted protein product. However, the current clinical and genetic evidence is not sufficient to establish whether loss-of-function variants in PDE3A cause disease. The frequency data for this variant in the population databases is considered unreliable, as metrics indicate insufficient coverage at this position in the ExAC database. In summary, the available evidence is currently insufficient to determine the role of this variant in disease. Therefore, it has been classified as a Variant of Uncertain Significance.

NM_000921.5(PDE3A):c.141G>A (p.Trp47Ter)

Genes: PDE3A (phosphodiesterase 3A; plus strand), PDE3A-AS1 (PDE3A antisense RNA 1; minus strand). Cytogenetic location: 12p12.2.
Variant type: single nucleotide variant.
Coding change: c.141G>A on transcript NM_000921.5 (MANE Select); coding-DNA position 141, G replaced by A.
Protein change: p.Trp47Ter; replaces tryptophan 47 with a stop codon.
Molecular consequence: nonsense. On other transcripts: 5 prime UTR variant (1).
Genome position (GRCh38, 1-based): chr12:20,369,425, G>A. VCF-style: chr12-20369425-G-A. GRCh37 (hg19) VCF-style: chr12-20522359-G-A.
Other names: c.141G>A, p.Trp47Ter (NM_001378407.1); c.-888G>A (NM_001378408.1); short protein forms W47*.
Identifiers: ClinVar variation 1358233 (VCV001358233.6), dbSNP rs761332660, ClinGen allele CA384293623.